The following is an entry in ClinVar:

ClinVar aggregate classification (germline): Uncertain significance (1 of 4 stars; one submission).

Conditions:
Kabuki syndrome. Also called: NIIKAWA-KUROKI SYNDROME; Kabuki make-up syndrome. Identifiers: Orphanet 2322, MedGen C0796004, MONDO:0016512.

Submission:

Labcorp Genetics (formerly Invitae), Labcorp
Classification: Uncertain significance for Kabuki syndrome. Last evaluated: 2019-03-06. Review status: criteria provided, single submitter. Criteria: Invitae Variant Classification Sherloc (09022015). Collection method: clinical testing. Allele origin: germline.
Comment: This variant has not been reported in the literature in individuals with KMT2D-related conditions. In summary, the available evidence is currently insufficient to determine the role of this variant in disease. Therefore, it has been classified as a Variant of Uncertain Significance. Algorithms developed to predict the effect of missense changes on protein structure and function output the following: SIFT: "Tolerated"; PolyPhen-2: "Benign"; Align-GVGD: "Class C0". The methionine amino acid residue is found in multiple mammalian species, suggesting that this missense change does not adversely affect protein function. These predictions have not been confirmed by published functional studies and their clinical significance is uncertain. This variant is not present in population databases (ExAC no frequency). This sequence change replaces leucine with methionine at codon 2185 of the KMT2D protein (p.Leu2185Met). The leucine residue is moderately conserved and there is a small physicochemical difference between leucine and methionine.

NM_003482.4(KMT2D):c.6553C>A (p.Leu2185Met)

Gene: KMT2D (lysine methyltransferase 2D; minus strand). Cytogenetic location: 12q13.12.
Variant type: single nucleotide variant.
Coding change: c.6553C>A on transcript NM_003482.4 (MANE Select); coding-DNA position 6553, C replaced by A.
Protein change: p.Leu2185Met; replaces leucine 2185 with methionine.
Molecular consequence: missense variant.
Genome position (GRCh38, 1-based): chr12:49,041,217, G>T on the plus strand (C>A on the coding strand, the complement: KMT2D is on the minus strand). VCF-style: chr12-49041217-G-T. GRCh37 (hg19) VCF-style: chr12-49435000-G-T.
Other names: short protein forms L2185M.
Identifiers: ClinVar variation 862099 (VCV000862099.9), dbSNP rs1943509535, ClinGen allele CA384750469.